The following is an entry in ClinVar:

NM_024753.5(TTC21B):c.3121G>A (p.Asp1041Asn)

Gene: TTC21B (tetratricopeptide repeat domain 21B; minus strand). Cytogenetic location: 2q24.3.
Variant type: single nucleotide variant.
Coding change: c.3121G>A on transcript NM_024753.5 (MANE Select); coding-DNA position 3121, G replaced by A.
Protein change: p.Asp1041Asn; replaces aspartic acid 1041 with asparagine.
Molecular consequence: missense variant.
Genome position (GRCh38, 1-based): chr2:165,890,621, C>T on the plus strand (G>A on the coding strand, the complement: TTC21B is on the minus strand). VCF-style: chr2-165890621-C-T. GRCh37 (hg19) VCF-style: chr2-166747131-C-T.
Other names: short protein forms D1041N.
Identifiers: ClinVar variation 1403792 (VCV001403792.8), dbSNP rs2105291718, ClinGen allele CA349048142.

ClinVar aggregate classification (germline): Uncertain significance (1 of 4 stars; one submission).

Conditions:
Jeune thoracic dystrophy. Also called: Short-rib thoracic dysplasia; Jeune syndrome; Infantile thoracic dystrophy; Thoracic pelvic phalangeal dystrophy; Jeune's syndrome; Chondroectodermal dysplasia-like syndrome. Identifiers: Orphanet 474, MedGen C0265275, MONDO:0018770.
Nephronophthisis. Also called: Juvenile Nephronophthisis. Identifiers: Orphanet 655, MedGen C0687120, MONDO:0019005, HP:0000090.

gnomAD v4.1: 1 of 1,613,722 alleles (0.000062%); no homozygotes.

Submission:

Labcorp Genetics (formerly Invitae), Labcorp
Classification: Uncertain significance for Jeune thoracic dystrophy; Nephronophthisis. Last evaluated: 2021-03-31. Review status: criteria provided, single submitter. Criteria: Invitae Variant Classification Sherloc (09022015). Collection method: clinical testing. Allele origin: germline.
Comment: This variant is not present in population databases (ExAC no frequency). In summary, the available evidence is currently insufficient to determine the role of this variant in disease. Therefore, it has been classified as a Variant of Uncertain Significance. Algorithms developed to predict the effect of missense changes on protein structure and function are either unavailable or do not agree on the potential impact of this missense change (SIFT: "Deleterious"; PolyPhen-2: "Benign"; Align-GVGD: "Class C0"). This variant has been observed in individual(s) with Meckel syndrome (PMID: 21258341). This sequence change replaces aspartic acid with asparagine at codon 1041 of the TTC21B protein (p.Asp1041Asn). The aspartic acid residue is highly conserved and there is a small physicochemical difference between aspartic acid and asparagine.

Literature cited by the submitters: PubMed 21258341.